The following is an entry in ClinVar:

NM_138694.4(PKHD1):c.130+1G>A

Gene: PKHD1 (PKHD1 ciliary IPT domain containing fibrocystin/polyductin; minus strand). Cytogenetic location: 6p12.2.
Variant type: single nucleotide variant.
Coding change: c.130+1G>A on transcript NM_138694.4 (MANE Select); the canonical splice donor site of the intron after coding-DNA position 130, G replaced by A.
Molecular consequence: splice donor variant.
Genome position (GRCh38, 1-based): chr6:52,083,177, C>T on the plus strand (G>A on the coding strand, the complement: PKHD1 is on the minus strand). VCF-style: chr6-52083177-C-T. GRCh37 (hg19) VCF-style: chr6-51947975-C-T.
Other names: c.130+1G>A (NM_170724.3).
Identifiers: ClinVar variation 4060201 (VCV004060201.2).

ClinVar aggregate classification (germline): Likely pathogenic (1 of 4 stars; one submission).

Conditions:
Autosomal recessive polycystic kidney disease (ARPKD). Also called: AR polycystic kidney disease. Identifiers: Orphanet 731, Orphanet 8378, MedGen C0085548, MeSH D017044, MONDO:0009889.

Submission:

Natera, Inc.
Classification: Likely pathogenic for Autosomal recessive polycystic kidney disease. Last evaluated: 2025-02-27. Review status: criteria provided, single submitter. Criteria: Natera Variant Classification Schema (03/2026). Collection method: clinical testing. Allele origin: germline.
Comment: The c.130+1G>A variant in PKHD1 is a canonical splice donor site variant predicted to affect pre-mRNA splicing, which may result in an abnormal transcript and altered protein product. This variant is expected to result in nonsense mediated decay, truncation, or a dysfunctional protein product. This variant is rare in the general population with a frequency below the threshold expected for the associated phenotype(s). Given the available evidence, this variant is classified as Likely Pathogenic.